The following is an entry in ClinVar:

NM_004560.4(ROR2):c.2213G>A (p.Arg738His)

Gene: ROR2 (receptor tyrosine kinase like orphan receptor 2; minus strand). Cytogenetic location: 9q22.31.
Variant type: single nucleotide variant.
Coding change: c.2213G>A on transcript NM_004560.4 (MANE Select); coding-DNA position 2213, G replaced by A.
Protein change: p.Arg738His; replaces arginine 738 with histidine.
Molecular consequence: missense variant.
Genome position (GRCh38, 1-based): chr9:91,724,281, C>T on the plus strand (G>A on the coding strand, the complement: ROR2 is on the minus strand). VCF-style: chr9-91724281-C-T. GRCh37 (hg19) VCF-style: chr9-94486563-C-T.
Other names: c.2213G>A (NM_004560.3); short protein forms R738H.
Identifiers: ClinVar variation 2873888 (VCV002873888.6), dbSNP rs762353305, ClinGen allele CA5120454.

ClinVar aggregate classification (germline): Uncertain significance. Review status: criteria provided, multiple submitters, no conflicts (2 of 4 stars). 3 submissions from 3 submitters: Uncertain significance (3). Last evaluated 2025-08-20.

Conditions:
Autosomal recessive Robinow syndrome (RRS1). Also called: ROR2-Related Robinow Syndrome; ROBINOW SYNDROME, AUTOSOMAL RECESSIVE 1; COSTOVERTEBRAL SEGMENTATION DEFECT WITH MESOMELIA; COVESDEM SYNDROME. Identifiers: Orphanet 1507, Orphanet 97360, MedGen C5399974, MONDO:0009999, OMIM 268310.
Brachydactyly type B1 (BDB1). Identifiers: Orphanet 572385, Orphanet 93383, MedGen C1862112, MONDO:0007220, OMIM 113000.
Inborn genetic diseases. Identifiers: MedGen C0950123, MeSH D030342.

Allele frequency attached by ClinVar (database versions not stated): gnomAD exomes 0.00001; ExAC 0.00002; gnomAD 0.00002; TOPMed 0.00002.
gnomAD v4.1: 23 of 1,613,058 alleles (0.0014%); highest among the groups gnomAD compares: Admixed American, 0.005%; no homozygotes.

Submissions (3):

Ambry Genetics
Classification: Uncertain significance for Inborn genetic diseases. Last evaluated: 2025-08-20. Review status: criteria provided, single submitter. Criteria: Ambry Variant Classification Scheme 2023. Collection method: clinical testing. Allele origin: germline.

Fulgent Genetics
Classification: Uncertain significance for Brachydactyly type B1; Autosomal recessive Robinow syndrome. Last evaluated: 2024-04-30. Review status: criteria provided, single submitter. Criteria: ACMG Guidelines, 2015. Collection method: clinical testing. Allele origin: germline.

Labcorp Genetics (formerly Invitae), Labcorp
Classification: Uncertain significance. Last evaluated: 2023-10-24. Review status: criteria provided, single submitter. Criteria: Invitae Variant Classification Sherloc (09022015). Collection method: clinical testing. Allele origin: germline.
Comment: This sequence change replaces arginine, which is basic and polar, with histidine, which is basic and polar, at codon 738 of the ROR2 protein (p.Arg738His). This variant is present in population databases (rs762353305, gnomAD 0.006%). This variant has not been reported in the literature in individuals affected with ROR2-related conditions. Advanced modeling of protein sequence and biophysical properties (such as structural, functional, and spatial information, amino acid conservation, physicochemical variation, residue mobility, and thermodynamic stability) performed at Invitae indicates that this missense variant is not expected to disrupt ROR2 protein function with a negative predictive value of 80%. In summary, the available evidence is currently insufficient to determine the role of this variant in disease. Therefore, it has been classified as a Variant of Uncertain Significance.